The following is an entry in ClinVar:

ClinVar aggregate classification (germline): Uncertain significance (1 of 4 stars; one submission).

Conditions:
Charcot-Marie-Tooth disease axonal type 2O. Also called: Charcot-Marie-Tooth disease, axonal, type 20; CHARCOT-MARIE-TOOTH NEUROPATHY, AXONAL, TYPE 2O; CHARCOT-MARIE-TOOTH DISEASE, AXONAL, AUTOSOMAL DOMINANT, TYPE 2O; Charcot-Marie-Tooth Neuropathy Type 2O. Identifiers: Orphanet 284232, MedGen C3280220, MONDO:0013644, OMIM 614228.

Submission:

Labcorp Genetics (formerly Invitae), Labcorp
Classification: Uncertain significance for Charcot-Marie-Tooth disease axonal type 2O. Last evaluated: 2022-04-26. Review status: criteria provided, single submitter. Criteria: Invitae Variant Classification Sherloc (09022015). Collection method: clinical testing. Allele origin: germline.
Comment: This variant has not been reported in the literature in individuals affected with DYNC1H1-related conditions. This variant is not present in population databases (gnomAD no frequency). This sequence change creates a premature translational stop signal (p.Val2096Alafs*27) in the DYNC1H1 gene. It is expected to result in an absent or disrupted protein product. However, the current clinical and genetic evidence is not sufficient to establish whether loss-of-function variants in DYNC1H1 cause disease. In summary, the available evidence is currently insufficient to determine the role of this variant in disease. Therefore, it has been classified as a Variant of Uncertain Significance.

NM_001376.5(DYNC1H1):c.6287_6288del (p.Val2096fs)

Gene: DYNC1H1 (dynein cytoplasmic 1 heavy chain 1; plus strand). Cytogenetic location: 14q32.31.
Variant type: Microsatellite.
Coding change: c.6287_6288del on transcript NM_001376.5 (MANE Select); coding-DNA positions 6287 to 6288, 2 bases deleted (TG; older notation c.6287_6288delTG).
Protein change: p.Val2096fs; shifts the reading frame from valine 2096.
Molecular consequence: frameshift variant.
Genome position (GRCh38, 1-based): chr14:102,010,341-102,010,342, TG deleted; deleting any 2 consecutive bases within chr14:102,010,338-102,010,342 gives the same sequence; the c. name uses the placement nearest the transcript's 3' end. VCF-style (leftmost placement, unchanged base first): chr14-102010337-AGT-A. GRCh37 (hg19) VCF-style: chr14-102476674-AGT-A.
Other names: short protein forms V2096fs.
Identifiers: ClinVar variation 2130854 (VCV002130854.4), dbSNP rs2503751960, ClinGen allele CA2580613766.